The following is an entry in ClinVar:

ClinVar aggregate classification (germline): Uncertain significance (1 of 4 stars; one submission).

Submission:

Labcorp Genetics (formerly Invitae), Labcorp
Classification: Uncertain significance. Last evaluated: 2021-09-05. Review status: criteria provided, single submitter. Criteria: Invitae Variant Classification Sherloc (09022015). Collection method: clinical testing. Allele origin: germline.
Comment: This sequence change disrupts the translational stop signal of the RXYLT1 mRNA. It is expected to extend the length of the RXYLT1 protein by 9 additional amino acid residues. This variant is not present in population databases (ExAC no frequency). This variant has not been reported in the literature in individuals affected with RXYLT1-related conditions. Experimental studies and prediction algorithms are not available or were not evaluated, and the functional significance of this variant is currently unknown. In summary, the available evidence is currently insufficient to determine the role of this variant in disease. Therefore, it has been classified as a Variant of Uncertain Significance.

NM_014254.3(RXYLT1):c.1332_*3del (p.Ter444TyrextTer?)

Genes: RXYLT1 (ribitol xylosyltransferase 1; plus strand), RXYLT1-AS1 (RXYLT1 antisense RNA 1; minus strand). Cytogenetic location: 12q14.2.
Variant type: Deletion.
Coding change: c.1332_*3del on transcript NM_014254.3 (MANE Select); coding-DNA position 1332 through 3 bases downstream of the stop codon, 4 bases deleted (ATTA; older notation c.1332_*3delATTA).
Protein change: p.Ter444TyrextTer?.
Molecular consequence: frameshift variant, stop lost.
Genome position (GRCh38, 1-based): chr12:63,809,092-63,809,095, ATTA deleted; deleting any 4 consecutive bases within chr12:63,809,089-63,809,095 gives the same sequence; the c. name uses the placement nearest the transcript's 3' end. VCF-style (leftmost placement, unchanged base first): chr12-63809088-GTTAA-G. GRCh37 (hg19) VCF-style: chr12-64202868-GTTAA-G.
Other names: c.552_*3del, p.Ter184TyrextTer? (NM_001278237.2).
Identifiers: ClinVar variation 1465255 (VCV001465255.3), dbSNP rs1320178225, ClinGen allele CA605709617.